The following is an entry in ClinVar:

ClinVar aggregate classification (germline): Uncertain significance. Review status: criteria provided, multiple submitters, no conflicts (2 of 4 stars). 2 submissions from 2 submitters: Uncertain significance (2). Last evaluated 2024-03-07.

Conditions:
Autosomal dominant pseudohypoaldosteronism type 1. Also called: Pseudohypoaldosteronism, Type I, Autosomal Dominant; PHA I, AUTOSOMAL DOMINANT; Pseudohypoaldosteronism, Type I, Dominant. Identifiers: Orphanet 171871, Orphanet 756, MedGen C1449842, MONDO:0008329, OMIM 177735.
Pseudohyperaldosteronism type 2. Identifiers: Orphanet 88660, MedGen C1854631, MONDO:0011517, OMIM 605115.

Submissions (2):

Fulgent Genetics
Classification: Uncertain significance for Autosomal dominant pseudohypoaldosteronism type 1; Pseudohyperaldosteronism type 2. Last evaluated: 2024-03-07. Review status: criteria provided, single submitter. Criteria: ACMG Guidelines, 2015. Collection method: clinical testing. Allele origin: germline.

Labcorp Genetics (formerly Invitae), Labcorp
Classification: Uncertain significance. Last evaluated: 2024-02-22. Review status: criteria provided, single submitter. Criteria: Invitae Variant Classification Sherloc (09022015). Collection method: clinical testing. Allele origin: germline.
Comment: This sequence change replaces serine, which is neutral and polar, with proline, which is neutral and non-polar, at codon 193 of the NR3C2 protein (p.Ser193Pro). This variant is not present in population databases (gnomAD no frequency). This variant has not been reported in the literature in individuals affected with NR3C2-related conditions. Advanced modeling of protein sequence and biophysical properties (such as structural, functional, and spatial information, amino acid conservation, physicochemical variation, residue mobility, and thermodynamic stability) performed at Invitae indicates that this missense variant is not expected to disrupt NR3C2 protein function with a negative predictive value of 80%. In summary, the available evidence is currently insufficient to determine the role of this variant in disease. Therefore, it has been classified as a Variant of Uncertain Significance.

NM_000901.5(NR3C2):c.577T>C (p.Ser193Pro)

Gene: NR3C2 (nuclear receptor subfamily 3 group C member 2; minus strand). Cytogenetic location: 4q31.23.
Variant type: single nucleotide variant.
Coding change: c.577T>C on transcript NM_000901.5 (MANE Select); coding-DNA position 577, T replaced by C.
Protein change: p.Ser193Pro; replaces serine 193 with proline.
Molecular consequence: missense variant. On other transcripts: non-coding transcript variant (1).
Genome position (GRCh38, 1-based): chr4:148,436,284, A>G on the plus strand (T>C on the coding strand, the complement: NR3C2 is on the minus strand). VCF-style: chr4-148436284-A-G. GRCh37 (hg19) VCF-style: chr4-149357436-A-G.
Other names: c.577T>C, p.Ser193Pro (NM_001166104.2, NM_001354819.1); short protein forms S193P.
Identifiers: ClinVar variation 3590230 (VCV003590230.3).